The following is an entry in ClinVar:

NM_000381.4(MID1):c.1924A>C (p.Thr642Pro)

Genes: MID1 (midline 1; minus strand), LOC126863207 (BRD4-independent group 4 enhancer GRCh37_chrX:10416979-10418178; plus strand). Cytogenetic location: Xp22.2.
Variant type: single nucleotide variant.
Coding change: c.1924A>C on transcript NM_000381.4 (MANE Select); coding-DNA position 1924, A replaced by C.
Protein change: p.Thr642Pro; replaces threonine 642 with proline.
Molecular consequence: missense variant.
Genome position (GRCh38, 1-based): chrX:10,449,448, T>G on the plus strand (A>C on the coding strand, the complement: MID1 is on the minus strand). VCF-style: chrX-10449448-T-G. GRCh37 (hg19) VCF-style: chrX-10417488-T-G.
Other names: c.1924A>C, p.Thr642Pro (NM_001098624.2, NM_001193277.1, NM_001347733.2 and 1 more transcripts); c.1810A>C, p.Thr604Pro (NM_033289.2); short protein forms T604P, T642P.
Identifiers: ClinVar variation 1299558 (VCV001299558.1), dbSNP rs2147252300, ClinGen allele CA412049859.

ClinVar aggregate classification (germline): Likely pathogenic (1 of 4 stars; one submission).

Conditions:
X-linked Opitz G/BBB syndrome (GBBB). Also called: OPITZ BBBG SYNDROME, TYPE I; OPITZ SYNDROME, X-LINKED; OPITZ-G SYNDROME, TYPE I; Opitz-Frias syndrome; MID1-Related Opitz G/BBB Syndrome. Identifiers: Orphanet 2745, MedGen C2936904, MONDO:0010222, OMIM 300000.

Submission:

Laboratory of Medical Genetics, National & Kapodistrian University of Athens
Classification: Likely pathogenic for X-linked Opitz G/BBB syndrome. Last evaluated: 2021-08-10. Review status: criteria provided, single submitter. Criteria: ACMG Guidelines, 2015. Collection method: clinical testing. Allele origin: maternal. Affected: yes.
Comment: PM2, PP1, PP2, PP3, PP4